The following is an entry in ClinVar:

NM_007294.4(BRCA1):c.5254G>C (p.Ala1752Pro)

Gene: BRCA1 (BRCA1 DNA repair associated; minus strand). Cytogenetic location: 17q21.31.
Variant type: single nucleotide variant.
Coding change: c.5254G>C on transcript NM_007294.4 (MANE Select); coding-DNA position 5254, G replaced by C.
Protein change: p.Ala1752Pro; replaces alanine 1752 with proline.
Molecular consequence: missense variant. On other transcripts: non-coding transcript variant (1).
Genome position (GRCh38, 1-based): chr17:43,057,075, C>G on the plus strand (G>C on the coding strand, the complement: BRCA1 is on the minus strand). VCF-style: chr17-43057075-C-G. GRCh37 (hg19) VCF-style: chr17-41209092-C-G.
Other names: c.1936G>C, p.Ala646Pro (NM_001408407.1, NM_001408408.1, NM_001408406.1); c.1828G>C, p.Ala610Pro (NM_001408420.1, NM_001408418.1, NM_001408419.1); c.1825G>C, p.Ala609Pro (NM_001408421.1, NM_001408422.1, NM_001408423.1 and 1 more transcripts); c.1822G>C, p.Ala608Pro (NM_001408425.1, NM_001408426.1, NM_001408427.1 and 4 more transcripts); c.1819G>C, p.Ala607Pro (NM_001408439.1, NM_001408440.1, NM_001408441.1 and 10 more transcripts); c.1816G>C, p.Ala606Pro (NM_001408445.1, NM_001408446.1, NM_001408447.1 and 2 more transcripts); c.1801G>C, p.Ala601Pro (NM_001408459.1, NM_001408460.1, NM_001408461.1 and 7 more transcripts); c.1735G>C, p.Ala579Pro (NM_001408480.1, NM_001408478.1, NM_001408479.1); and 72 more; short protein forms A1752P, A648P, A1705P, A1773P, A1639P, A1640P, A1641P, A1683P.
Identifiers: ClinVar variation 55483 (VCV000055483.23), dbSNP rs80357074, ClinGen allele CA003394.

ClinVar aggregate classification (germline): Pathogenic/Likely pathogenic. Review status: criteria provided, multiple submitters, no conflicts (2 of 4 stars). 5 submissions from 5 submitters: Pathogenic (1); Likely pathogenic (3). 1 of the submissions does not count toward it. Last evaluated 2025-03-04.

Conditions:
Fanconi anemia, complementation group S (FANCS). Identifiers: MedGen C4554406, MONDO:0054748, OMIM 617883.
Breast-ovarian cancer, familial, susceptibility to, 1 (BROVCA1). Also called: OVARIAN CANCER, SUSCEPTIBILITY TO; BRCA1 Hereditary Breast and Ovarian Cancer. Identifiers: Orphanet 145, MedGen C2676676, MONDO:0011450, OMIM 604370. Disease mechanism: loss of function.
Pancreatic cancer, susceptibility to, 4. Identifiers: Orphanet 1333, MedGen C3280442, MONDO:0013685, OMIM 614320.
Hereditary cancer-predisposing syndrome. Also called: Neoplastic Syndromes, Hereditary; Tumor predisposition; Hereditary Cancer Syndrome; Hereditary neoplastic syndrome. Identifiers: Orphanet 140162, MedGen C0027672, MeSH D009386, MONDO:0015356.
Hereditary breast ovarian cancer syndrome. Also called: Hereditary breast and/or ovarian cancer syndrome; Hereditary breast and ovarian cancer syndrome; Hereditary breast and ovarian cancer; Hereditary breast and ovarian cancer syndrome (HBOC); Breast and ovarian cancer; BRCA1- and BRCA2-Associated Hereditary Breast and Ovarian Cancer. Identifiers: Orphanet 145, MedGen C0677776, MeSH D061325, MONDO:0003582. Disease mechanism: loss of function.

Submissions (6):

Center for Genomic Medicine, Rigshospitalet, Copenhagen University Hospital
Classification: Likely pathogenic. Last evaluated: 2025-03-04. Review status: criteria provided, single submitter. Criteria: ACMG Guidelines, 2015. Collection method: clinical testing. Allele origin: germline.

Labcorp Genetics (formerly Invitae), Labcorp
Classification: Likely pathogenic for Hereditary breast ovarian cancer syndrome. Last evaluated: 2023-12-14. Review status: criteria provided, single submitter. Criteria: Invitae Variant Classification Sherloc (09022015). Collection method: clinical testing. Allele origin: germline.
Comment: This sequence change replaces alanine, which is neutral and non-polar, with proline, which is neutral and non-polar, at codon 1752 of the BRCA1 protein (p.Ala1752Pro). This variant is not present in population databases (gnomAD no frequency). This missense change has been observed in individual(s) with breast cancer (PMID: 9788557, 11389159, 17851763, 30702160, 31825140). This variant is also known as 5373C>G. ClinVar contains an entry for this variant (Variation ID: 55483). Advanced modeling performed at Invitae incorporating data from internal and/or published experimental studies (PMID: 30209399) indicates that this missense variant is expected to disrupt BRCA1 function with a positive predictive value of 95%. Experimental studies have shown that this missense change affects BRCA1 function (PMID: 14534301, 15172985, 15689452, 17305420, 20516115, 30209399). In summary, the currently available evidence indicates that the variant is pathogenic, but additional data are needed to prove that conclusively. Therefore, this variant has been classified as Likely Pathogenic.

Ambry Genetics
Classification: Pathogenic for Hereditary cancer-predisposing syndrome. Last evaluated: 2022-06-03. Review status: criteria provided, single submitter. Criteria: Ambry Variant Classification Scheme 2023. Collection method: clinical testing. Allele origin: germline.
Comment: The p.A1752P pathogenic variant (also known as c.5254G>C and 5373G>C), located in coding exon 18 of the BRCA1 gene, results from a G to C substitution at nucleotide position 5254. The alanine at codon 1752 is replaced by proline, an amino acid with highly similar properties. This alteration has been reported in multiple women with early-onset breast cancer as well as family histories of breast cancer, including multiple reports in Chinese cohorts (Gao X et al. Hum Mutat, 2020 03;41:696-708; Bhaskaran SP et al. Int J Cancer, 2019 08;145:962-973; Li WF et al. Breast Cancer Res Treat, 2008 Jul;110:99-109; Essioux L et al. Am. J. Med. Genet. 1998 Sep;79:175-83; Bergthorsson JT et al. J. Med. Genet. 2001 Jun;38:361-8). Multiple assays find this variant is non-functional (Findlay GM et al. Nature, 2018 10;562:217-222; Lee MS et al. Cancer Res. 2010 Jun;70:4880-90; Phelan CM et al. J. Med. Genet., 2005 Feb;42:138-46). Based on literature and internal structural assessments, this alteration is structurally detrimental by breaking an alpha helix in BRCT domains (Ambry internal data; Karchin R et al. PLoS Comput Biol, 2007 Feb;3:e26; Clapperton JA et al. Nat. Struct. Mol. Biol., 2004 Jun;11:512-8). In addition, this alteration segregated with disease and was associated with family and tumor features that characterize a pathogenic mutation in BRCA1 (Caputo SM et al. Am J Hum Genet, 2021 10;108:1907-1923). This amino acid position is well conserved in available vertebrate species. In addition, this alteration is predicted to be deleterious by in silico analysis. Based on the supporting evidence, this alteration is interpreted as a disease-causing mutation.

Juno Genomics, Hangzhou Juno Genomics, Inc
Classification: Likely pathogenic for Breast-ovarian cancer, familial, susceptibility to, 1; Pancreatic cancer, susceptibility to, 4; Fanconi anemia, complementation group S. Review status: criteria provided, single submitter. Criteria: ACMG Guidelines, 2015. Collection method: clinical testing. Allele origin: germline.
Comment: Absent from controls (or at extremely low frequency if recessive) in Genome Aggregation Database.;Multiple lines of computational evidence support a deleterious effect on the gene or gene product.;Well-established in vitro or in vivo functional studies supportive of a damaging effect on the gene or gene product.;Co-segregation with disease in multiple affected family members.

Breast Cancer Information Core (BIC) (BRCA1)
Classification: Uncertain significance for Breast-ovarian cancer, familial 1. Last evaluated: 1998-11-17. Review status: no assertion criteria provided. Collection method: clinical testing. Allele origin: germline. Affected: yes. Observed: 3 variant alleles. Not counted in ClinVar's aggregate classification.

Brotman Baty Institute, University of Washington
No classification provided (evidence only). Condition: Breast-ovarian cancer, familial 1. Review status: no classification provided. Collection method: in vitro. Allele origin: not applicable. Functional consequence: functionally_abnormal. Not counted in ClinVar's aggregate classification.
ClinVar note: "not provided" was previously submitted as the classification for the variant. However, the classification appeared to be based only on an observation of functional data so it was converted to no classification on 2025-07-30.

Literature cited by the submitters: PubMed 9788557 (cited by Labcorp Genetics (formerly Invitae), Labcorp and Ambry Genetics); PubMed 11389159 (cited by Labcorp Genetics (formerly Invitae), Labcorp and Ambry Genetics); PubMed 17851763 (cited by Labcorp Genetics (formerly Invitae), Labcorp and Ambry Genetics); PubMed 30702160 (cited by Labcorp Genetics (formerly Invitae), Labcorp and Ambry Genetics); PubMed 31825140 (cited by Labcorp Genetics (formerly Invitae), Labcorp and Ambry Genetics); PubMed 30209399 (cited by Labcorp Genetics (formerly Invitae), Labcorp and Ambry Genetics); PubMed 14534301 (cited by Labcorp Genetics (formerly Invitae), Labcorp and Ambry Genetics); PubMed 15172985 (cited by Labcorp Genetics (formerly Invitae), Labcorp); PubMed 15689452 (cited by Labcorp Genetics (formerly Invitae), Labcorp and Ambry Genetics); PubMed 17305420 (cited by Labcorp Genetics (formerly Invitae), Labcorp and Ambry Genetics); PubMed 20516115 (cited by Labcorp Genetics (formerly Invitae), Labcorp and Ambry Genetics); PubMed 15133502 (cited by Ambry Genetics); PubMed 16528612 (cited by Ambry Genetics); PubMed 28781887 (cited by Ambry Genetics); PubMed 34597585 (cited by Ambry Genetics).